The following is an entry in ClinVar:

ClinVar aggregate classification (germline): Uncertain significance. Review status: criteria provided, multiple submitters, no conflicts (2 of 4 stars). 2 submissions from 2 submitters: Uncertain significance (2). Last evaluated 2022-02-16.

Conditions:
Mucopolysaccharidosis, MPS-III-C (MPS3C). Also called: MUCOPOLYSACCHARIDOSIS, TYPE IIIC; Mucopolysaccharidosis type IIIC (Sanfilippo C); SANFILIPPO SYNDROME C; MPS III C; mucopolysaccharidosis type 3C; MPS IIIC (Sanfilippo Syndrome Type C). Identifiers: Orphanet 581, Orphanet 79271, MedGen C0086649, MONDO:0009657, OMIM 252930.

Allele frequency attached by ClinVar (database versions not stated): TOPMed below 0.00001; gnomAD 0.00004; ExAC 0.00011; gnomAD exomes 0.00004.
gnomAD v4.1: 62 of 1,611,714 alleles (0.0038%); highest among the groups gnomAD compares: South Asian, 0.057%; no homozygotes.

Submissions (2):

Blueprint Genetics
Classification: Uncertain significance. Last evaluated: 2022-02-16. Review status: criteria provided, single submitter. Criteria: ACMG Guidelines, 2015. Collection method: clinical testing. Allele origin: germline.

Victorian Clinical Genetics Services, Murdoch Childrens Research Institute
Classification: Uncertain significance for Mucopolysaccharidosis, MPS-III-C. Last evaluated: 2020-05-26. Review status: criteria provided, single submitter. Criteria: ACMG Guidelines, 2015. Collection method: clinical testing. Allele origin: germline. Inheritance: Autosomal recessive inheritance. Affected: yes.
Comment: Based on the classification scheme VCGS_Germline_v1.1.1, this variant is classified as 3B-VUS. Following criteria are met: 0102 - Loss-of-function is a known mechanism of disease for this gene. (N) 0106 - This gene is known to be associated with autosomal recessive disease. (N) 0200 - Variant is predicted to result in a missense amino acid change from arginine to glutamine (exon 15). (N) 0252 - Variant is homozygous. (N) 0304 - Variant is present in gnomAD <0.01 for a recessive condition (19 heterozygotes, 0 homozygotes). (P) 0501 - Missense variant consistently predicted to be damaging by multiple in silico tools or highly conserved with a major amino acid change. (P) 0604 - Variant is not located in an established domain, motif, hotspot or informative constraint region. (N) 0705 - No comparable variants have previous evidence for pathogenicity. (N) 0807 - Variant has not previously been reported in a clinical context. (N) 0905 - No segregation evidence has been identified for this variant. (N) 1007 - No published functional evidence has been identified for this variant. (N) 1208 - Inheritance information for this variant is not currently available. (N) Legend: (P) - Pathogenic, (N) - Neutral, (B) - Benign

NM_152419.3(HGSNAT):c.1517G>A (p.Arg506Gln)

Gene: HGSNAT (heparan-alpha-glucosaminide N-acetyltransferase; plus strand). Cytogenetic location: 8p11.21.
Variant type: single nucleotide variant.
Coding change: c.1517G>A on transcript NM_152419.3 (MANE Select); coding-DNA position 1517, G replaced by A.
Protein change: p.Arg506Gln; replaces arginine 506 with glutamine.
Molecular consequence: missense variant.
Genome position (GRCh38, 1-based): chr8:43,197,000, G>A. VCF-style: chr8-43197000-G-A. GRCh37 (hg19) VCF-style: chr8-43052143-G-A.
Other names: c.1604G>A, p.Arg535Gln (NM_001363227.2); c.1325G>A, p.Arg442Gln (NM_001363228.2); c.653G>A, p.Arg218Gln (NM_001363229.2); short protein forms R218Q, R442Q, R506Q, R535Q.
Identifiers: ClinVar variation 1805830 (VCV001805830.2), dbSNP rs768973103, ClinGen allele CA4736924.